The following is an entry in ClinVar:

NM_000138.5(FBN1):c.7624C>T (p.Gln2542Ter)

Gene: FBN1 (fibrillin 1; minus strand). Cytogenetic location: 15q21.1.
Variant type: single nucleotide variant.
Coding change: c.7624C>T on transcript NM_000138.5 (MANE Select); coding-DNA position 7624, C replaced by T.
Protein change: p.Gln2542Ter; replaces glutamine 2542 with a stop codon.
Molecular consequence: nonsense.
Genome position (GRCh38, 1-based): chr15:48,421,633, G>A on the plus strand (C>T on the coding strand, the complement: FBN1 is on the minus strand). VCF-style: chr15-48421633-G-A. GRCh37 (hg19) VCF-style: chr15-48713830-G-A.
Other names: short protein forms Q2542*.
Identifiers: ClinVar variation 200119 (VCV000200119.9), dbSNP rs794728276, ClinGen allele CA017303.

ClinVar aggregate classification (germline): Pathogenic. Review status: criteria provided, multiple submitters, no conflicts (2 of 4 stars). 2 submissions from 2 submitters: Pathogenic (2). Last evaluated 2025-03-14.

Conditions:
Marfan syndrome (MFS). Also called: MARFAN SYNDROME, TYPE I; FBN1-Related Marfan Syndrome; Marfan syndrome, classic; Marfan syndrome type 1; Marfan's syndrome. Identifiers: Orphanet 284963, Orphanet 558, MedGen C0024796, MONDO:0007947, OMIM 154700.
Familial thoracic aortic aneurysm and aortic dissection (TAAD). Also called: Thoracic aortic aneurysms and dissections. Identifiers: Orphanet 91387, MedGen C4707243, MONDO:0019625.

Submissions (2):

Clinical Genetics and Genomics, Karolinska University Hospital
Classification: Pathogenic for Marfan syndrome. Last evaluated: 2025-03-14. Review status: criteria provided, single submitter. Criteria: ACMG Guidelines, 2015. Collection method: clinical testing. Allele origin: germline. Inheritance: Autosomal dominant inheritance. Affected: yes.

Labcorp Genetics (formerly Invitae), Labcorp
Classification: Pathogenic for Marfan syndrome; Familial thoracic aortic aneurysm and aortic dissection. Last evaluated: 2023-06-04. Review status: criteria provided, single submitter. Criteria: Invitae Variant Classification Sherloc (09022015). Collection method: clinical testing. Allele origin: germline.
Comment: This sequence change creates a premature translational stop signal (p.Gln2542*) in the FBN1 gene. It is expected to result in an absent or disrupted protein product. Loss-of-function variants in FBN1 are known to be pathogenic (PMID: 17657824, 19293843). This variant is not present in population databases (gnomAD no frequency). This premature translational stop signal has been observed in individuals with Marfan syndrome (PMID: 17657824). ClinVar contains an entry for this variant (Variation ID: 200119). For these reasons, this variant has been classified as Pathogenic.

Literature cited by the submitters: PubMed 17657824 (cited by Labcorp Genetics (formerly Invitae), Labcorp); PubMed 19293843 (cited by Labcorp Genetics (formerly Invitae), Labcorp).